The following is an entry in ClinVar:

ClinVar aggregate classification (germline): Uncertain significance (1 of 4 stars; one submission).

Conditions:
Early-infantile DEE. Also called: Ohtahara syndrome; Early infantile epileptic encephalopathy; Early infantile epileptic encephalopathy with suppression bursts. Identifiers: Orphanet 1934, MedGen C0393706, MONDO:0800491.

Allele frequency attached by ClinVar (database versions not stated): gnomAD exomes 0.00001.
gnomAD v4.1: 8 of 1,586,860 alleles (0.0005%); highest among the groups gnomAD compares: Non-Finnish European, 0.00068%; no homozygotes.

Submission:

Labcorp Genetics (formerly Invitae), Labcorp
Classification: Uncertain significance for Early-infantile DEE. Last evaluated: 2023-11-27. Review status: criteria provided, single submitter. Criteria: Invitae Variant Classification Sherloc (09022015). Collection method: clinical testing. Allele origin: germline.
Comment: This sequence change replaces threonine, which is neutral and polar, with alanine, which is neutral and non-polar, at codon 669 of the SCN8A protein (p.Thr669Ala). This variant is present in population databases (no rsID available, gnomAD 0.001%). This variant has not been reported in the literature in individuals affected with SCN8A-related conditions. ClinVar contains an entry for this variant (Variation ID: 2174959). Advanced modeling of protein sequence and biophysical properties (such as structural, functional, and spatial information, amino acid conservation, physicochemical variation, residue mobility, and thermodynamic stability) performed at Invitae indicates that this missense variant is not expected to disrupt SCN8A protein function with a negative predictive value of 95%. In summary, the available evidence is currently insufficient to determine the role of this variant in disease. Therefore, it has been classified as a Variant of Uncertain Significance.

NM_001330260.2(SCN8A):c.2005A>G (p.Thr669Ala)

Gene: SCN8A (sodium voltage-gated channel alpha subunit 8; plus strand). Cytogenetic location: 12q13.13.
Variant type: single nucleotide variant.
Coding change: c.2005A>G on transcript NM_001330260.2 (MANE Select); coding-DNA position 2005, A replaced by G.
Protein change: p.Thr669Ala; replaces threonine 669 with alanine.
Molecular consequence: missense variant.
Genome position (GRCh38, 1-based): chr12:51,745,909, A>G. VCF-style: chr12-51745909-A-G. GRCh37 (hg19) VCF-style: chr12-52139693-A-G.
Other names: c.2005A>G, p.Thr669Ala (NM_001177984.3, NM_001369788.1, NM_014191.4); short protein forms T669A.
Identifiers: ClinVar variation 2174959 (VCV002174959.4), dbSNP rs932949364, ClinGen allele CA236309244.